The following is an entry in ClinVar:

ClinVar aggregate classification (germline): Uncertain significance. Review status: criteria provided, multiple submitters, no conflicts (2 of 4 stars). 2 submissions from 2 submitters: Uncertain significance (2). Last evaluated 2025-02-06.

Conditions:
Optic atrophy 3 (OPA3). Also called: OPTIC ATROPHY 3, AUTOSOMAL DOMINANT; Optic atrophy, cataract, and neurologic disorder; Optic atrophy 3 with cataract. Identifiers: Orphanet 67036, MedGen C1833809, MONDO:0008133, OMIM 165300.
3-Methylglutaconic aciduria type 3 (MGCA3). Also called: OPA3, AUTOSOMAL RECESSIVE; OPTIC ATROPHY 3, AUTOSOMAL RECESSIVE; OPA3-Related 3-Methylglutaconic Aciduria; Costeff Syndrome. Identifiers: Orphanet 67047, MedGen C0574084, MONDO:0009787, OMIM 258501.
Inborn genetic diseases. Identifiers: MedGen C0950123, MeSH D030342.

Allele frequency attached by ClinVar (database versions not stated): gnomAD exomes below 0.00001; ExAC 0.00003; TOPMed 0.00005; gnomAD 0.00007; ESP Exome Variant Server 0.00015.
gnomAD v4.1: 14 of 1,609,608 alleles (0.00087%); highest among the groups gnomAD compares: African/African-American, 0.015%; no homozygotes.

Submissions (2):

Labcorp Genetics (formerly Invitae), Labcorp
Classification: Uncertain significance for 3-Methylglutaconic aciduria type 3; Optic atrophy 3. Last evaluated: 2025-02-06. Review status: criteria provided, single submitter. Criteria: Invitae Variant Classification Sherloc (09022015). Collection method: clinical testing. Allele origin: germline.
Comment: This sequence change replaces glutamic acid, which is acidic and polar, with lysine, which is basic and polar, at codon 113 of the OPA3 protein (p.Glu113Lys). This variant is present in population databases (rs142467378, gnomAD 0.03%). This variant has not been reported in the literature in individuals affected with OPA3-related conditions. ClinVar contains an entry for this variant (Variation ID: 2155995). An algorithm developed to predict the effect of missense changes on protein structure and function (PolyPhen-2) suggests that this variant is likely to be tolerated. In summary, the available evidence is currently insufficient to determine the role of this variant in disease. Therefore, it has been classified as a Variant of Uncertain Significance.

Ambry Genetics
Classification: Uncertain significance for Inborn genetic diseases. Last evaluated: 2024-08-10. Review status: criteria provided, single submitter. Criteria: Ambry Variant Classification Scheme 2023. Collection method: clinical testing. Allele origin: germline.

NM_025136.4(OPA3):c.337G>A (p.Glu113Lys)

Genes: OPA3 (outer mitochondrial membrane lipid metabolism regulator OPA3; minus strand), OPA3-RTN2 (OPA3-RTN2 readthrough; minus strand). Cytogenetic location: 19q13.32.
Variant type: single nucleotide variant.
Coding change: c.337G>A on transcript NM_025136.4 (MANE Select); coding-DNA position 337, G replaced by A.
Protein change: p.Glu113Lys; replaces glutamic acid 113 with lysine.
Molecular consequence: missense variant. On other transcripts: intron variant (1).
Genome position (GRCh38, 1-based): chr19:45,553,717, C>T on the plus strand (G>A on the coding strand, the complement: OPA3 is on the minus strand). VCF-style: chr19-45553717-C-T. GRCh37 (hg19) VCF-style: chr19-46056975-C-T.
Other names: c.337G>A (NM_025136.3); c.143-24261G>A (NM_001017989.3); short protein forms E113K.
Identifiers: ClinVar variation 2155995 (VCV002155995.4), dbSNP rs142467378, ClinGen allele CA9517415.